The following is an entry in ClinVar:

ClinVar aggregate classification (germline): Uncertain significance (1 of 4 stars; one submission).

Conditions:
Charcot-Marie-Tooth disease type 4. Also called: Charcot-Marie-Tooth, Type 4; Charcot-Marie-Tooth disease, type IV. Identifiers: Orphanet 64749, MedGen C4082197, MONDO:0018995.

Submission:

Labcorp Genetics (formerly Invitae), Labcorp
Classification: Uncertain significance for Charcot-Marie-Tooth disease type 4. Last evaluated: 2021-08-11. Review status: criteria provided, single submitter. Criteria: Invitae Variant Classification Sherloc (09022015). Collection method: clinical testing. Allele origin: germline.
Comment: This variant, c.250_252del, is a complex sequence change that results in the deletion of 1 amino acid(s) in the NDRG1 protein (p.Glu84del). This variant is not present in population databases (ExAC no frequency). This variant has not been reported in the literature in individuals affected with NDRG1-related conditions. Experimental studies and prediction algorithms are not available or were not evaluated, and the functional significance of this variant is currently unknown. In summary, the available evidence is currently insufficient to determine the role of this variant in disease. Therefore, it has been classified as a Variant of Uncertain Significance.

NM_006096.4(NDRG1):c.250_252del (p.Glu84del)

Gene: NDRG1 (N-myc downstream regulated 1; minus strand). Cytogenetic location: 8q24.22.
Variant type: Deletion.
Coding change: c.250_252del on transcript NM_006096.4 (MANE Select); coding-DNA positions 250 to 252, 3 bases deleted (GAG; older notation c.250_252delGAG).
Protein change: p.Glu84del; deletes glutamic acid 84.
Molecular consequence: inframe deletion.
Genome position (GRCh38, 1-based): chr8:133,262,121-133,262,123, CTC deleted on the plus strand (GAG on the coding strand, the reverse complement: NDRG1 is on the minus strand); deleting any 3 consecutive bases within chr8:133,262,121-133,262,125 gives the same sequence; the c. name uses the placement nearest the transcript's 3' end. VCF-style (leftmost placement, unchanged base first): chr8-133262120-TCTC-T. GRCh37 (hg19) VCF-style: chr8-134274363-TCTC-T.
Other names: c.250_252del, p.Glu84del (NM_001135242.2, NM_001374844.1, NM_001374845.1 and 1 more transcripts); c.52_54del, p.Glu18del (NM_001258432.2, NM_001374847.1); c.7_9del, p.Glu3del (NM_001258433.2); short protein forms E3del, E84del, E18del.
Identifiers: ClinVar variation 1433537 (VCV001433537.3), dbSNP rs1278099164, ClinGen allele CA584945498.
Genomic context (GRCh38, chr8:133,262,120, plus strand): 5'-AGGCTGCGCCGTCCTGCTGGCCAGGGGCGTCCACGTGGCAGACGGCAAAGTGCTGGGTGA[TCTC>T]CTGCATGTCCTCGTAGTTGAAGAGGGGGTTGTAGCAGGTTTTGTCTGAAGAACAGCAGTG-3'